The following is an entry in ClinVar:

ClinVar aggregate classification (germline): Conflicting classifications of pathogenicity. Review status: criteria provided, conflicting classifications (1 of 4 stars). 3 submissions from 3 submitters: Uncertain significance (1); Likely benign (2). Last evaluated 2026-05-01.

Conditions:
Inborn genetic diseases. Identifiers: MedGen C0950123, MeSH D030342.
Glycogen storage disease IXb (GSD9B). Also called: GLYCOGENOSIS OF LIVER AND MUSCLE, AUTOSOMAL RECESSIVE; GSD IXb; PHOSPHORYLASE KINASE DEFICIENCY OF LIVER AND MUSCLE, AUTOSOMAL RECESSIVE. Identifiers: Orphanet 79240, MedGen C0543514, MONDO:0009868, OMIM 261750.

Allele frequency attached by ClinVar (database versions not stated): gnomAD exomes 0.00004; ExAC 0.00005; gnomAD 0.00005 and 0.00004; ESP Exome Variant Server 0.00008; 1000 Genomes Project 30x 0.00016; 1000 Genomes Project 0.00020; TOPMed 0.00003.
gnomAD v4.1: 63 of 1,553,338 alleles (0.0041%); highest among the groups gnomAD compares: Middle Eastern, 0.017%; no homozygotes.

Submissions (3):

CeGaT Center for Human Genetics Tuebingen
Classification: Likely benign. Last evaluated: 2026-05-01. Review status: criteria provided, single submitter. Criteria: CeGaT Center For Human Genetics Tuebingen Variant Classification Criteria Version 2. Collection method: clinical testing. Allele origin: germline. Affected: yes. Observed: 1 variant allele.
Comment: PHKB: BP4

Labcorp Genetics (formerly Invitae), Labcorp
Classification: Uncertain significance for Glycogen storage disease IXb. Last evaluated: 2022-08-05. Review status: criteria provided, single submitter. Criteria: Invitae Variant Classification Sherloc (09022015). Collection method: clinical testing. Allele origin: germline.
Comment: This sequence change replaces valine, which is neutral and non-polar, with isoleucine, which is neutral and non-polar, at codon 999 of the PHKB protein (p.Val999Ile). The frequency data for this variant in the population databases is considered unreliable, as metrics indicate poor data quality at this position in the gnomAD database. This variant has not been reported in the literature in individuals affected with PHKB-related conditions. ClinVar contains an entry for this variant (Variation ID: 839029). Algorithms developed to predict the effect of missense changes on protein structure and function output the following: SIFT: "Tolerated"; PolyPhen-2: "Benign"; Align-GVGD: "Class C0". The isoleucine amino acid residue is found in multiple mammalian species, which suggests that this missense change does not adversely affect protein function. In summary, the available evidence is currently insufficient to determine the role of this variant in disease. Therefore, it has been classified as a Variant of Uncertain Significance.

Ambry Genetics
Classification: Likely benign for Inborn genetic diseases. Last evaluated: 2022-05-27. Review status: criteria provided, single submitter. Criteria: Ambry Variant Classification Scheme 2023. Collection method: clinical testing. Allele origin: germline.

NM_000293.3(PHKB):c.2995G>A (p.Val999Ile)

Gene: PHKB (phosphorylase kinase regulatory subunit beta; plus strand). Cytogenetic location: 16q12.1.
Variant type: single nucleotide variant.
Coding change: c.2995G>A on transcript NM_000293.3 (MANE Select); coding-DNA position 2995, G replaced by A.
Protein change: p.Val999Ile; replaces valine 999 with isoleucine.
Molecular consequence: missense variant.
Genome position (GRCh38, 1-based): chr16:47,696,480, G>A. VCF-style: chr16-47696480-G-A. GRCh37 (hg19) VCF-style: chr16-47730391-G-A.
Other names: c.2974G>A, p.Val992Ile (NM_001031835.3); c.2995G>A, p.Val999Ile (NM_001363837.1); short protein forms V999I, V992I.
Identifiers: ClinVar variation 839029 (VCV000839029.10), dbSNP rs375389167, ClinGen allele CA8041391.
Genomic context (GRCh38, chr16:47,696,480, plus strand): 5'-TTCTCTCTCCTTGTTGAAGACACGTTGGGAAATATTGACCAGCCACAGTACAGACAGATC[G>A]TTGTAGAGGTGAGTAGTAAGAAATGAAGATTGCTGAATAAATGCCTTCTCTCTGCTCCGT-3'
Protein context (NP_000284.1, residues 989-1009): NIDQPQYRQI[Val999Ile]VELLMVVSIV